The following is an entry in ClinVar:

ClinVar aggregate classification (germline): Uncertain significance. Review status: criteria provided, multiple submitters, no conflicts (2 of 4 stars). 6 submissions from 6 submitters: Uncertain significance (6). Last evaluated 2026-06-28.

Conditions:
Episodic ataxia type 2 (EA2). Also called: ATAXIA, EPISODIC, WITH NYSTAGMUS; ACETAZOLAMIDE-RESPONSIVE HEREDITARY PAROXYSMAL CEREBELLAR ATAXIA; ATAXIA, FAMILIAL PAROXYSMAL; CEREBELLAR ATAXIA, PAROXYSMAL, ACETAZOLAMIDE-RESPONSIVE; CEREBELLOPATHY, HEREDITARY PAROXYSMAL; EPISODIC ATAXIA, NYSTAGMUS-ASSOCIATED. Identifiers: Orphanet 97, MedGen C1720416, MONDO:0007163, OMIM 108500.
Developmental and epileptic encephalopathy, 42 (DEE42A). Also called: DEVELOPMENTAL AND EPILEPTIC ENCEPHALOPATHY 42A; EPILEPTIC ENCEPHALOPATHY, EARLY INFANTILE, 42A; Epileptic encephalopathy, early infantile, 42. Identifiers: MedGen C4310716, MONDO:0014917, OMIM 617106.
Inborn genetic diseases. Identifiers: MedGen C0950123, MeSH D030342.

Allele frequency attached by ClinVar (database versions not stated): gnomAD 0.00001; TOPMed 0.00001.
gnomAD v4.1: 2 of 1,579,836 alleles (0.00013%); highest among the groups gnomAD compares: Non-Finnish European, 0.00017%; no homozygotes.

Submissions (6):

Ambry Genetics
Classification: Uncertain significance for Inborn genetic diseases. Last evaluated: 2026-06-28. Review status: criteria provided, single submitter. Criteria: Ambry Variant Classification Scheme 2023. Collection method: clinical testing. Allele origin: germline.

Women's Health and Genetics/Laboratory Corporation of America, LabCorp
Classification: Uncertain significance. Last evaluated: 2026-04-22. Review status: criteria provided, single submitter. Criteria: LabCorp Variant Classification Summary - May 2015. Collection method: clinical testing. Allele origin: germline.
Comment: Variant summary: CACNA1A c.4231A>G (p.Lys1411Glu) results in a conservative amino acid change in the encoded protein sequence. Algorithms developed to predict the effect of missense changes on protein structure and function are either unavailable or do not agree on the potential impact of this missense change. The frequency data for this variant in gnomAD is considered unreliable, as metrics indicate poor data quality at this position. To our knowledge, no occurrence of c.4231A>G in individuals affected with CACNA1A-related conditions and no experimental evidence demonstrating its impact on protein function have been reported. ClinVar contains an entry for this variant (Variation ID: 500602). Based on the evidence outlined above, the variant was classified as uncertain significance.

Labcorp Genetics (formerly Invitae), Labcorp
Classification: Uncertain significance for Developmental and epileptic encephalopathy, 42; Episodic ataxia type 2. Last evaluated: 2025-02-20. Review status: criteria provided, single submitter. Criteria: Invitae Variant Classification Sherloc (09022015). Collection method: clinical testing. Allele origin: germline.
Comment: This sequence change replaces lysine, which is basic and polar, with glutamic acid, which is acidic and polar, at codon 1411 of the CACNA1A protein (p.Lys1411Glu). This variant is not present in population databases (gnomAD no frequency). This variant has not been reported in the literature in individuals affected with CACNA1A-related conditions. ClinVar contains an entry for this variant (Variation ID: 500602). Invitae Evidence Modeling of protein sequence and biophysical properties (such as structural, functional, and spatial information, amino acid conservation, physicochemical variation, residue mobility, and thermodynamic stability) indicates that this missense variant is expected to disrupt CACNA1A protein function with a positive predictive value of 95%. In summary, the available evidence is currently insufficient to determine the role of this variant in disease. Therefore, it has been classified as a Variant of Uncertain Significance.

GeneDx
Classification: Uncertain significance. Last evaluated: 2025-01-06. Review status: criteria provided, single submitter. Criteria: GeneDx Variant Classification Process June 2021. Collection method: clinical testing. Allele origin: germline. Affected: yes.
Comment: Not observed at significant frequency in large population cohorts (gnomAD); In silico analysis supports that this missense variant has a deleterious effect on protein structure/function; Has not been previously published as pathogenic or benign to our knowledge; This variant is associated with the following publications: (PMID: 34436362)

Athena Diagnostics
Classification: Uncertain significance. Last evaluated: 2022-08-24. Review status: criteria provided, single submitter. Criteria: Athena Diagnostics Criteria. Collection method: clinical testing. Allele origin: unknown.

Eurofins Ntd Llc (ga)
Classification: Uncertain significance. Last evaluated: 2017-03-23. Review status: criteria provided, single submitter. Criteria: EGL Classification Definitions 2015. Collection method: clinical testing. Allele origin: germline. Observed: 1 variant allele, 1 heterozygote.

Literature cited by the submitters: PubMed 34436362 (cited by Women's Health and Genetics/Laboratory Corporation of America, LabCorp and Athena Diagnostics).

NM_001127222.2(CACNA1A):c.4228A>G (p.Lys1410Glu)

Genes: CACNA1A (calcium voltage-gated channel subunit alpha1 A; minus strand), LOC126862864 (MED14-independent group 3 enhancer GRCh37_chr19:13371552-13372751; plus strand). Cytogenetic location: 19p13.13.
Variant type: single nucleotide variant.
Coding change: c.4228A>G on transcript NM_001127222.2 (MANE Select); coding-DNA position 4228, A replaced by G.
Protein change: p.Lys1410Glu; replaces lysine 1410 with glutamic acid.
Molecular consequence: missense variant.
Genome position (GRCh38, 1-based): chr19:13,261,472, T>C on the plus strand (A>G on the coding strand, the complement: CACNA1A is on the minus strand). VCF-style: chr19-13261472-T-C. GRCh37 (hg19) VCF-style: chr19-13372286-T-C.
Other names: c.4240A>G, p.Lys1414Glu (NM_000068.4, NM_023035.3); c.4231A>G, p.Lys1411Glu (NM_001127221.2, NM_001174080.2); short protein forms K1411E, K1410E, K1414E.
Identifiers: ClinVar variation 500602 (VCV000500602.21), dbSNP rs932772664, ClinGen allele CA305545819.